The following is an entry in ClinVar:

ClinVar aggregate classification (germline): Uncertain significance. Review status: criteria provided, multiple submitters, no conflicts (2 of 4 stars). 2 submissions from 2 submitters: Uncertain significance (2). Last evaluated 2024-03-21.

Conditions:
Hereditary cancer-predisposing syndrome. Also called: Neoplastic Syndromes, Hereditary; Tumor predisposition; Hereditary neoplastic syndrome; Hereditary Cancer Syndrome. Identifiers: Orphanet 140162, MedGen C0027672, MeSH D009386, MONDO:0015356.
Familial adenomatous polyposis 1 (FAP1). Also called: POLYPOSIS, ADENOMATOUS INTESTINAL; FAMILIAL ADENOMATOUS POLYPOSIS 1, ATTENUATED. Identifiers: MedGen C2713442, MONDO:0021056, OMIM 175100. Disease mechanism: loss of function.

Allele frequency attached by ClinVar (database versions not stated): TOPMed below 0.00001.

Submissions (2):

Baylor Genetics
Classification: Uncertain significance for Familial adenomatous polyposis 1. Last evaluated: 2024-03-21. Review status: criteria provided, single submitter. Criteria: ACMG Guidelines, 2015. Collection method: clinical testing. Allele origin: unknown.

Ambry Genetics
Classification: Uncertain significance for Hereditary cancer-predisposing syndrome. Last evaluated: 2023-01-11. Review status: criteria provided, single submitter. Criteria: Ambry Variant Classification Scheme 2023. Collection method: clinical testing. Allele origin: germline.
Comment: The p.S2535I variant (also known as c.7604G>T), located in coding exon 15 of the APC gene, results from a G to T substitution at nucleotide position 7604. The serine at codon 2535 is replaced by isoleucine, an amino acid with dissimilar properties. This amino acid position is conserved. In addition, in silico predictors for this gene do not accurately predict pathogenicity. Since supporting evidence is limited at this time, the clinical significance of this alteration remains unclear.

NM_000038.6(APC):c.7604G>T (p.Ser2535Ile)

Gene: APC (APC regulator of Wnt signaling pathway; plus strand). Cytogenetic location: 5q22.2.
Variant type: single nucleotide variant.
Coding change: c.7604G>T on transcript NM_000038.6 (MANE Select); coding-DNA position 7604, G replaced by T.
Protein change: p.Ser2535Ile; replaces serine 2535 with isoleucine.
Molecular consequence: missense variant. On other transcripts: non-coding transcript variant (2).
Genome position (GRCh38, 1-based): chr5:112,843,198, G>T. VCF-style: chr5-112843198-G-T. GRCh37 (hg19) VCF-style: chr5-112178895-G-T.
Other names: c.7604G>T, p.Ser2535Ile (NM_001127510.3, NM_001354895.2, NM_001407450.1); c.7550G>T, p.Ser2517Ile (NM_001127511.3); c.7658G>T, p.Ser2553Ile (NM_001354896.2, NM_001407447.1, NM_001407448.1 and 1 more transcripts); c.7634G>T, p.Ser2545Ile (NM_001354897.2); c.7529G>T, p.Ser2510Ile (NM_001354898.2); c.7520G>T, p.Ser2507Ile (NM_001354899.2); c.7481G>T, p.Ser2494Ile (NM_001354900.2); c.7427G>T, p.Ser2476Ile (NM_001354901.2, NM_001407453.1); and 11 more; short protein forms S2252I, S2545I, S2553I, S2409I, S2452I, S2510I, S2517I, S2151I.
Identifiers: ClinVar variation 2452716 (VCV002452716.3), dbSNP rs1355563057, ClinGen allele CA16037852.